The following is an entry in ClinVar:

NM_005391.5(PDK3):c.422C>T (p.Pro141Leu)

Gene: PDK3 (pyruvate dehydrogenase kinase 3; plus strand). Cytogenetic location: Xp22.11.
Variant type: single nucleotide variant.
Coding change: c.422C>T on transcript NM_005391.5 (MANE Select); coding-DNA position 422, C replaced by T.
Protein change: p.Pro141Leu; replaces proline 141 with leucine.
Molecular consequence: missense variant.
Genome position (GRCh38, 1-based): chrX:24,503,428, C>T. VCF-style: chrX-24503428-C-T. GRCh37 (hg19) VCF-style: chrX-24521545-C-T.
Other names: c.422C>T, p.Pro141Leu (NM_001142386.3); short protein forms P141L.
Identifiers: ClinVar variation 944239 (VCV000944239.15), dbSNP rs898354567, ClinGen allele CA327704771.

ClinVar aggregate classification (germline): Uncertain significance. Review status: criteria provided, multiple submitters, no conflicts (2 of 4 stars). 3 submissions from 3 submitters: Uncertain significance (3). Last evaluated 2025-07-31.

Conditions:
Charcot-Marie-Tooth disease X-linked dominant 6. Also called: CHARCOT-MARIE-TOOTH NEUROPATHY, X-LINKED DOMINANT, 6. Identifiers: Orphanet 352675, MedGen C3806702, MONDO:0010479, OMIM 300905.

Allele frequency attached by ClinVar (database versions not stated): gnomAD exomes 0.00002 and 0.00007; TOPMed 0.00002; gnomAD 0.00005 and 0.00006.

Submissions (3):

Ambry Genetics
Classification: Uncertain significance. Last evaluated: 2025-07-31. Review status: criteria provided, single submitter. Criteria: Ambry Variant Classification Scheme 2023. Collection method: clinical testing. Allele origin: germline.

Labcorp Genetics (formerly Invitae), Labcorp
Classification: Uncertain significance for Charcot-Marie-Tooth disease X-linked dominant 6. Last evaluated: 2022-03-02. Review status: criteria provided, single submitter. Criteria: Invitae Variant Classification Sherloc (09022015). Collection method: clinical testing. Allele origin: germline.
Comment: This sequence change replaces proline, which is neutral and non-polar, with leucine, which is neutral and non-polar, at codon 141 of the PDK3 protein (p.Pro141Leu). This variant is present in population databases (no rsID available, gnomAD 0.004%), including at least one homozygous and/or hemizygous individual. This variant has not been reported in the literature in individuals affected with PDK3-related conditions. ClinVar contains an entry for this variant (Variation ID: 944239). Algorithms developed to predict the effect of missense changes on protein structure and function (SIFT, PolyPhen-2, Align-GVGD) all suggest that this variant is likely to be tolerated. In summary, the available evidence is currently insufficient to determine the role of this variant in disease. Therefore, it has been classified as a Variant of Uncertain Significance.

Mayo Clinic Laboratories, Mayo Clinic
Classification: Uncertain significance. Last evaluated: 2020-04-07. Review status: criteria provided, single submitter. Criteria: ACMG Guidelines, 2015. Collection method: clinical testing. Allele origin: germline. Observed: 1 variant allele.